The following is an entry in ClinVar:

ClinVar aggregate classification (germline): Uncertain significance. Review status: criteria provided, multiple submitters, no conflicts (2 of 4 stars). 2 submissions from 2 submitters: Uncertain significance (2). Last evaluated 2025-01-24.

Allele frequency attached by ClinVar (database versions not stated): gnomAD exomes below 0.00001.
gnomAD v4.1: 1 of 1,211,431 alleles (0.000083%); highest among the groups gnomAD compares: Non-Finnish European, 0.00011%; no homozygotes.

Submissions (2):

Women's Health and Genetics/Laboratory Corporation of America, LabCorp
Classification: Uncertain significance. Last evaluated: 2025-01-24. Review status: criteria provided, single submitter. Criteria: LabCorp Variant Classification Summary - May 2015. Collection method: clinical testing. Allele origin: germline.
Comment: Variant summary: TAF1 c.3431A>G (p.Asn1144Ser) results in a conservative amino acid change in the encoded protein sequence. Four of four in-silico tools predict a benign effect of the variant on protein function. The variant was absent in 183184 control chromosomes. The available data on variant occurrences in the general population are insufficient to allow any conclusion about variant significance. To our knowledge, no occurrence of c.3431A>G in individuals affected with Mental Retardation, X-Linked, Syndromic 33 and no experimental evidence demonstrating its impact on protein function have been reported. ClinVar contains an entry for this variant (Variation ID: 2739317). Based on the evidence outlined above, the variant was classified as uncertain significance.

Labcorp Genetics (formerly Invitae), Labcorp
Classification: Uncertain significance. Last evaluated: 2023-02-08. Review status: criteria provided, single submitter. Criteria: Invitae Variant Classification Sherloc (09022015). Collection method: clinical testing. Allele origin: germline.
Comment: Algorithms developed to predict the effect of missense changes on protein structure and function (SIFT, PolyPhen-2, Align-GVGD) all suggest that this variant is likely to be tolerated. In summary, the available evidence is currently insufficient to determine the role of this variant in disease. Therefore, it has been classified as a Variant of Uncertain Significance. This variant has not been reported in the literature in individuals affected with TAF1-related conditions. This variant is not present in population databases (gnomAD no frequency). This sequence change replaces asparagine, which is neutral and polar, with serine, which is neutral and polar, at codon 1164 of the TAF1 protein (p.Asn1164Ser).

NM_004606.5(TAF1):c.3431A>G (p.Asn1144Ser)

Gene: TAF1 (TATA-box binding protein associated factor 1; plus strand). Cytogenetic location: Xq13.1.
Variant type: single nucleotide variant.
Coding change: c.3431A>G on transcript NM_004606.5 (MANE Select); coding-DNA position 3431, A replaced by G.
Protein change: p.Asn1144Ser; replaces asparagine 1144 with serine.
Molecular consequence: missense variant. On other transcripts: non-coding transcript variant (9).
Genome position (GRCh38, 1-based): chrX:71,397,277, A>G. VCF-style: chrX-71397277-A-G. GRCh37 (hg19) VCF-style: chrX-70617127-A-G.
Other names: c.3431A>G, p.Asn1144Ser (NM_001286074.2); c.3368A>G, p.Asn1123Ser (NM_138923.4); short protein forms N1144S, N1123S.
Identifiers: ClinVar variation 2739317 (VCV002739317.5), dbSNP rs2034910124, ClinGen allele CA413530265.
Genomic context (GRCh38, chrX:71,397,277, plus strand): 5'-GGGAACGTTTGGAAATCTTTTCTACCTACCTTGCAGCAGCAGGCTCAGCAGCATCCGGAA[A>G]CAATCACAGAGATGATGACACAGCTTCCGTGACTAGCCTTAACTCTTCTGCCACTGGACG-3'
Protein context (NP_004597.3, residues 1134-1154): LLAAGSAASG[Asn1144Ser]NHRDDDTASV